The following is an entry in ClinVar:

ClinVar aggregate classification (germline): Conflicting classifications of pathogenicity. Review status: criteria provided, conflicting classifications (1 of 4 stars). 8 submissions from 8 submitters: Pathogenic (2); Likely pathogenic (3); Uncertain significance (3). Last evaluated 2026-04-02.

Conditions:
JUP-related disorder. Also called: JUP-related condition.
Cardiovascular phenotype. Identifiers: MedGen CN230736.
Arrhythmogenic right ventricular dysplasia 12. Also called: ARRHYTHMOGENIC RIGHT VENTRICULAR DYSPLASIA, FAMILIAL, 12. Identifiers: MedGen C1969081, MONDO:0012684, OMIM 611528.
Naxos disease (NXD). Also called: PALMOPLANTAR KERATODERMA WITH ARRHYTHMOGENIC RIGHT VENTRICULAR CARDIOMYOPATHY AND WOOLLY HAIR; WOOLLY HAIR, PALMOPLANTAR KERATODERMA, AND CARDIAC ABNORMALITIES; CARDIOMYOPATHY, ARRHYTHMOGENIC RIGHT VENTRICULAR, WITH SKIN, HAIR, AND NAIL ABNORMALITIES; KERATOSIS PALMOPLANTARIS WITH ARRHYTHMOGENIC CARDIOMYOPATHY; MAL DE NAXOS. Identifiers: Orphanet 34217, MedGen C1832600, MONDO:0011017, OMIM 601214.

Allele frequency attached by ClinVar (database versions not stated): ExAC 0.00001; gnomAD exomes 0.00001 and 0.00002.
gnomAD v4.1: 13 of 1,614,134 alleles (0.00081%); highest among the groups gnomAD compares: Non-Finnish European, 0.0011%; no homozygotes.

Submissions (8):

PreventionGenetics, part of Exact Sciences
Classification: Likely pathogenic for JUP-related condition. Last evaluated: 2026-04-02. Review status: criteria provided, single submitter. Criteria: ACMG Guidelines, 2015. Collection method: clinical testing. Allele origin: germline.
Comment: The JUP c.902A>G variant is predicted to result in the amino acid substitution p.Glu301Gly. This variant has been reported in the homozygous state in multiple, unrelated individuals with Naxos disease (Trakadis et al. 2014. PubMed ID: 24884844; Marino et al. 2017. PubMed ID: 28098346). All of the affected individuals were of French-Canadian descent without known consanguinity, suggesting that this variant is likely a founder variant in this population (Bchetnia M. et al. 2021. PubMed ID: 33910931). The majority of heterozygotes appear to be unaffected (Marino et al. 2023. PubMed ID: 36786328), but this variant has been reported in the heterozygous state in an individual with hypertrophic cardiomyopathy (Supplemental Information, Hathaway et al. 2021. PubMed ID: 33673806) and in an individual with arrhythmogenic cardiomyopathy (Table S2, Goudal et al. 2022. PubMed ID: 35819174). At PreventionGenetics, this variant was noted in the homozygous state in three siblings with suspected Naxos disease where the unaffected parents and two unaffected siblings were found to be heterozygous for the variant. This variant is reported in 0.0044% of alleles in individuals of European (non-Finnish) descent in gnomAD and has conflicting classifications in ClinVar ranging from uncertain to pathogenic (Variation ID: 222662). Taken together, this variant is interpreted as likely pathogenic.

Ambry Genetics
Classification: Uncertain significance for Cardiovascular phenotype. Last evaluated: 2025-10-15. Review status: criteria provided, single submitter. Criteria: Ambry Variant Classification Scheme 2023. Collection method: clinical testing. Allele origin: germline.
Comment: The p.E301G variant (also known as c.902A>G), located in coding exon 4 of the JUP gene, results from an A to G substitution at nucleotide position 902. The glutamic acid at codon 301 is replaced by glycine, an amino acid with similar properties. This variant has been identified in the homozygous state and/or in conjunction with other JUP variant(s) in individual(s) with features consistent with Naxos disease; it is suspected to be a French-Canadian founder mutation (Trakadis YJ et al. BMC Med Genomics, 2014 May;7:22; Marino TC et al. Clin Genet, 2017 Oct;92:451-453; Thuriot F et al. Genet Med, 2018 Sep;20:942-949; Bchetnia M et al. J Med Genet, 2021 Oct;58:653-665). This amino acid position is highly conserved in available vertebrate species. In addition, this alteration is predicted to be deleterious by in silico analysis. Based on the supporting evidence, this variant is interpreted as a disease-causing mutation for autosomal recessive Naxos disease; however, its clinical significance for autosomal dominant arrhythmogenic right ventricular cardiomyopathy is uncertain.

Blueprint Genetics
Classification: Pathogenic for JUP-related disorders. Last evaluated: 2024-07-31. Review status: criteria provided, single submitter. Criteria: ACMG Guidelines, 2015. Collection method: clinical testing. Allele origin: germline. Affected: yes. Observed: 5 variant alleles.

Molecular Diagnostic Laboratory for Inherited Cardiovascular Disease, Montreal Heart Institute
Classification: Likely pathogenic for Cardiovascular phenotype. Last evaluated: 2024-07-15. Review status: criteria provided, single submitter. Criteria: ACMG Guidelines, 2015. Collection method: clinical testing. Allele origin: germline. Affected: yes.
Comment: PS4;PM2;PP1;PP3;PP4

Labcorp Genetics (formerly Invitae), Labcorp
Classification: Likely pathogenic for Arrhythmogenic right ventricular dysplasia 12; Naxos disease. Last evaluated: 2023-09-28. Review status: criteria provided, single submitter. Criteria: Invitae Variant Classification Sherloc (09022015). Collection method: clinical testing. Allele origin: germline.
Comment: This sequence change replaces glutamic acid, which is acidic and polar, with glycine, which is neutral and non-polar, at codon 301 of the JUP protein (p.Glu301Gly). This variant is present in population databases (rs782058451, gnomAD 0.004%). This missense change has been observed in individuals with clinical features of autosomal dominant JUP-related conditions and/or Naxos disease (PMID: 24884844, 28098346, 33673806). ClinVar contains an entry for this variant (Variation ID: 222662). An algorithm developed to predict the effect of missense changes on protein structure and function (PolyPhen-2) suggests that this variant is likely to be disruptive. In summary, the currently available evidence indicates that the variant is pathogenic, but additional data are needed to prove that conclusively. Therefore, this variant has been classified as Likely Pathogenic.

Revvity Omics, Revvity
Classification: Pathogenic. Last evaluated: 2020-12-31. Review status: criteria provided, single submitter. Criteria: ACMG Guidelines, 2015. Collection method: clinical testing. Allele origin: germline.

CeGaT Center for Human Genetics Tuebingen
Classification: Uncertain significance. Last evaluated: 2017-09-01. Review status: criteria provided, single submitter. Criteria: CeGaT Center For Human Genetics Tuebingen Variant Classification Criteria Version 2. Collection method: clinical testing. Allele origin: germline. Affected: yes. Observed: 1 variant allele.

Laboratory for Molecular Medicine, Mass General Brigham Personalized Medicine
Classification: Uncertain significance. Last evaluated: 2016-01-26. Review status: criteria provided, single submitter. Criteria: LMM Criteria. Collection method: clinical testing. Allele origin: germline. Observed: 3 variant alleles.
Comment: Variant classified as Uncertain Significance - Favor Pathogenic. The p.Glu301Gly variant in JUP has been reported in the homozygous state in 1 individual with N axos disease (Tradakis 2014), and has also been identified in 1/66640 European c hromosomes by the Exome Aggregation Consortium (ExAC .org; dbSNP rs782058451). Computational prediction tools and conservation analys is do not provide strong support for or against an impact to the protein. In sum mary, while there is some suspicion for a pathogenic role, the clinical signific ance of the p.Glu301Gly variant is uncertain.

Literature cited by the submitters: PubMed 24884844 (cited by 3 submitters); PubMed 28098346 (cited by Ambry Genetics and Labcorp Genetics (formerly Invitae), Labcorp); PubMed 29388948 (cited by Ambry Genetics); PubMed 33910931 (cited by Ambry Genetics); PubMed 33673806 (cited by Labcorp Genetics (formerly Invitae), Labcorp).

NM_002230.4(JUP):c.902A>G (p.Glu301Gly)

Gene: JUP (junction plakoglobin; minus strand). Cytogenetic location: 17q21.2.
Variant type: single nucleotide variant.
Coding change: c.902A>G on transcript NM_002230.4 (MANE Select); coding-DNA position 902, A replaced by G.
Protein change: p.Glu301Gly; replaces glutamic acid 301 with glycine.
Molecular consequence: missense variant.
Genome position (GRCh38, 1-based): chr17:41,767,386, T>C on the plus strand (A>G on the coding strand, the complement: JUP is on the minus strand). VCF-style: chr17-41767386-T-C. GRCh37 (hg19) VCF-style: chr17-39923638-T-C.
Other names: c.902A>G (NM_002230.3); c.902A>G, p.Glu301Gly (NM_001352773.2, NM_001352774.2, NM_001352775.2 and 3 more transcripts); short protein forms E301G.
Identifiers: ClinVar variation 222662 (VCV000222662.61), dbSNP rs782058451, ClinGen allele CA353980.
Genomic context (GRCh38, chr17:41,767,386, plus strand): 5'-GAAGATGGCGCAAGGGTGGGCTTCAGGCCTCGGGAGAGTTGGGGAGGGCCCACCTTGCTC[T>C]CCTGGTTGCCGTAGGCCAGGAGCTGCAGGCAGTCGGTGGTGATGGCCAGGAACTTGGGGT-3'
Protein context (NP_002221.1, residues 291-311): CLQLLAYGNQ[Glu301Gly]SKLIILANGG